The following is an entry in ClinVar:

NM_004113.6(FGF12):c.14-47501T>C

Gene: FGF12 (fibroblast growth factor 12; minus strand). Cytogenetic location: 3q28.
Variant type: single nucleotide variant.
Coding change: c.14-47501T>C on transcript NM_004113.6 (MANE Select); 47501 bases into the intron before coding-DNA position 14, T replaced by C.
Molecular consequence: intron variant. On other transcripts: missense variant (1).
Genome position (GRCh38, 1-based): chr3:192,408,039, A>G on the plus strand (T>C on the coding strand, the complement: FGF12 is on the minus strand). VCF-style: chr3-192408039-A-G. GRCh37 (hg19) VCF-style: chr3-192125828-A-G.
Other names: c.185T>C, p.Val62Ala (NM_021032.5); c.-59-47501T>C (NM_001377293.1); c.14-72575T>C (NM_001377292.1); c.-60+1473T>C (NM_001377294.1); short protein forms V62A.
Identifiers: ClinVar variation 3666162 (VCV003666162.2).
Genomic context (GRCh38, chr3:192,408,039, plus strand): 5'-AGAGGGCGTCCCCTCTGGGGAGCCCACTCTCCGGGCTTCTACTGACCTGGTCTCCGCCTC[A>G]CCGGCCTCTTGCGGCCGCTGCAGAAGCGCACTTTGCTGAACACCCCGAGGACGTGCCTCT-3'

ClinVar aggregate classification (germline): Uncertain significance (1 of 4 stars; one submission).

Submission:

Labcorp Genetics (formerly Invitae), Labcorp
Classification: Uncertain significance. Last evaluated: 2024-09-27. Review status: criteria provided, single submitter. Criteria: Invitae Variant Classification Sherloc (09022015). Collection method: clinical testing. Allele origin: germline.
Comment: This sequence change replaces valine, which is neutral and non-polar, with alanine, which is neutral and non-polar, at codon 62 of the FGF12 protein (p.Val62Ala). This variant is not present in population databases (gnomAD no frequency). This variant has not been reported in the literature in individuals affected with FGF12-related conditions. Invitae Evidence Modeling of protein sequence and biophysical properties (such as structural, functional, and spatial information, amino acid conservation, physicochemical variation, residue mobility, and thermodynamic stability) indicates that this missense variant is not expected to disrupt FGF12 protein function with a negative predictive value of 80%. In summary, the available evidence is currently insufficient to determine the role of this variant in disease. Therefore, it has been classified as a Variant of Uncertain Significance.